The following is an entry in ClinVar:

NM_000533.5(PLP1):c.1_2del (p.Met1fs)

Genes: RAB9B (RAB9B, member RAS oncogene family; minus strand), PLP1 (proteolipid protein 1; plus strand). Cytogenetic location: Xq22.2.
Variant type: Deletion.
Coding change: c.1_2del on transcript NM_000533.5 (MANE Select); coding-DNA positions 1 to 2, 2 bases deleted (AT; older notation c.1_2delAT).
Protein change: p.Met1fs; shifts the reading frame from methionine 1.
Molecular consequence: frameshift variant, initiator codon variant.
Genome position (GRCh38, 1-based): chrX:103,776,996-103,776,997, AT deleted. VCF-style (leftmost placement, unchanged base first): chrX-103776995-CAT-C. GRCh37 (hg19) VCF-style: chrX-103031923-CAT-C.
Other names: c.1_2del, p.Met1fs (NM_001128834.3, NM_001305004.1, NM_199478.3); short protein forms M1fs.
Identifiers: ClinVar variation 3723230 (VCV003723230.2).

ClinVar aggregate classification (germline): Pathogenic (1 of 4 stars; one submission).

Conditions:
Hereditary spastic paraplegia 2 (SPG2). Also called: SPASTIC PARAPLEGIA 2, X-LINKED; Spastic Paraplegia 2 (SPG2). Identifiers: Orphanet 99015, MedGen C0751604, MONDO:0010733, OMIM 312920.

Submission:

Labcorp Genetics (formerly Invitae), Labcorp
Classification: Pathogenic for Hereditary spastic paraplegia 2. Last evaluated: 2024-10-17. Review status: criteria provided, single submitter. Criteria: Invitae Variant Classification Sherloc (09022015). Collection method: clinical testing. Allele origin: germline.
Comment: This sequence change affects the initiator methionine of the PLP1 mRNA. The next in-frame methionine is located at codon 206. This variant is not present in population databases (gnomAD no frequency). Disruption of the initiator codon has been observed in individuals with PLP1-related conditions (PMID: 8786077, 10417279, 12910435, 22343157). For these reasons, this variant has been classified as Pathogenic.

Literature cited by the submitters: PubMed 8786077; PubMed 10417279; PubMed 12910435; PubMed 22343157.